The following is an entry in ClinVar:

NM_001395656.1(ROBO2):c.2030G>A (p.Arg677His)

Genes: ROBO2 (roundabout guidance receptor 2; plus strand), LOC126806727 (BRD4-independent group 4 enhancer GRCh37_chr3:77623115-77624314; plus strand). Cytogenetic location: 3p12.3.
Variant type: single nucleotide variant.
Coding change: c.2030G>A on transcript NM_001395656.1 (MANE Select); coding-DNA position 2030, G replaced by A.
Protein change: p.Arg677His; replaces arginine 677 with histidine.
Molecular consequence: missense variant.
Genome position (GRCh38, 1-based): chr3:77,574,545, G>A. VCF-style: chr3-77574545-G-A. GRCh37 (hg19) VCF-style: chr3-77623696-G-A.
Other names: c.2078G>A, p.Arg693His (NM_001378195.1, NM_001378196.1, NM_001378200.1 and 4 more transcripts); c.2018G>A, p.Arg673His (NM_001378197.1, NM_002942.5, NM_001378193.1); c.2099G>A, p.Arg700His (NM_001378198.1, NM_001378199.1, NM_001394213.1 and 2 more transcripts); c.2030G>A, p.Arg677His (NM_001378202.1, NM_001290039.2, NM_001290040.2); c.2087G>A, p.Arg696His (NM_001394212.1, NM_001394214.1, NM_001395657.1); c.2066G>A, p.Arg689His (NM_001128929.3); c.239G>A, p.Arg80His (NM_001290065.2); short protein forms R673H, R689H, R677H, R80H, R693H, R696H, R700H.
Identifiers: ClinVar variation 346696 (VCV000346696.12), dbSNP rs376737394, ClinGen allele CA2497224.
Genomic context (GRCh38, chr3:77,574,545, plus strand): 5'-ACTATGTTTTTCAGGTTGATCGCCAACCCCAGTTTATCCAAGGCTACCGAGTGATGTATC[G>A]TCAGACTTCAGGTCTGCAGGCGACATCTTCGTGGCAGAATTTAGATGCCAAAGTCCCGAC-3'
Protein context (NP_001382585.1, residues 667-687): QFIQGYRVMY[Arg677His]QTSGLQATSS

ClinVar aggregate classification (germline): Benign/Likely benign. Review status: criteria provided, multiple submitters, no conflicts (2 of 4 stars). 3 submissions from 3 submitters: Benign (1); Likely benign (1). 1 of the submissions does not count toward it. Last evaluated 2025-11-09.

Conditions:
Vesicoureteral reflux 2 (VUR2). Identifiers: Orphanet 289365, MedGen C1970483, MONDO:0012573, OMIM 610878.
ROBO2-related disorder. Also called: ROBO2-related condition.

Allele frequency attached by ClinVar (database versions not stated): gnomAD exomes 0.00012; ExAC 0.00013; ESP Exome Variant Server 0.00017; TOPMed 0.00028.
gnomAD v4.1: 228 of 1,613,212 alleles (0.014%); highest among the groups gnomAD compares: East Asian, 0.047%; 2 homozygotes.

Submissions (3):

Labcorp Genetics (formerly Invitae), Labcorp
Classification: Likely benign. Last evaluated: 2025-11-09. Review status: criteria provided, single submitter. Criteria: Invitae Variant Classification Sherloc (09022015). Collection method: clinical testing. Allele origin: germline.

Illumina Laboratory Services, Illumina
Classification: Benign for Vesicoureteral reflux 2. Last evaluated: 2018-01-13. Review status: criteria provided, single submitter. Criteria: ICSL Variant Classification Criteria 13 December 2019. Collection method: clinical testing. Allele origin: germline.
Comment: This variant was observed in the ICSL laboratory as part of a predisposition screen in an ostensibly healthy population. It had not been previously curated by ICSL or reported in the Human Gene Mutation Database (HGMD: prior to June 1st, 2018), and was therefore a candidate for classification through an automated scoring system. Utilizing variant allele frequency, disease prevalence and penetrance estimates, and inheritance mode, an automated score was calculated to assess if this variant is too frequent to cause the disease. Based on the score and internal cut-off values, a variant classified as benign is not then subjected to further curation. The score for this variant resulted in a classification of benign for this disease.

PreventionGenetics, part of Exact Sciences
Classification: Likely benign for ROBO2-related condition. Last evaluated: 2022-10-03. Review status: no assertion criteria provided. Collection method: clinical testing. Allele origin: germline. Not counted in ClinVar's aggregate classification.
Comment: This variant is classified as likely benign based on ACMG/AMP sequence variant interpretation guidelines (Richards et al. 2015 PMID: 25741868, with internal and published modifications).